The following is an entry in ClinVar:

NM_017841.4(SDHAF2):c.430G>A (p.Ala144Thr)

Gene: SDHAF2 (succinate dehydrogenase complex assembly factor 2; plus strand). Cytogenetic location: 11q12.2.
Variant type: single nucleotide variant.
Coding change: c.430G>A on transcript NM_017841.4 (MANE Select); coding-DNA position 430, G replaced by A.
Protein change: p.Ala144Thr; replaces alanine 144 with threonine.
Molecular consequence: missense variant.
Genome position (GRCh38, 1-based): chr11:61,446,000, G>A. VCF-style: chr11-61446000-G-A. GRCh37 (hg19) VCF-style: chr11-61213472-G-A.
Other names: short protein forms A144T.
Identifiers: ClinVar variation 411612 (VCV000411612.17), dbSNP rs572576746, ClinGen allele CA059309.

ClinVar aggregate classification (germline): Uncertain significance. Review status: criteria provided, multiple submitters, no conflicts (2 of 4 stars). 4 submissions from 4 submitters: Uncertain significance (4). Last evaluated 2026-01-28.

Conditions:
Hereditary cancer-predisposing syndrome. Also called: Hereditary neoplastic syndrome; Tumor predisposition; Hereditary Cancer Syndrome; Neoplastic Syndromes, Hereditary. Identifiers: Orphanet 140162, MedGen C0027672, MeSH D009386, MONDO:0015356.
Hereditary pheochromocytoma and paraganglioma. Also called: Hereditary pheochromocytoma-paraganglioma; Hereditary paragangliomas and pheochromocytomas; Hereditary Paraganglioma-Pheochromocytoma Syndromes. Identifiers: Orphanet 29072, MedGen C4274332, MONDO:0017366.

Allele frequency attached by ClinVar (database versions not stated): ExAC 0.00002; TOPMed 0.00006; gnomAD 0.00016 and 0.00012.

Submissions (4):

Labcorp Genetics (formerly Invitae), Labcorp
Classification: Uncertain significance for Hereditary pheochromocytoma and paraganglioma. Last evaluated: 2026-01-28. Review status: criteria provided, single submitter. Criteria: Invitae Variant Classification Sherloc (09022015). Collection method: clinical testing. Allele origin: germline.
Comment: This sequence change replaces alanine, which is neutral and non-polar, with threonine, which is neutral and polar, at codon 144 of the SDHAF2 protein (p.Ala144Thr). This variant is present in population databases (rs572576746, gnomAD 0.04%). This variant has not been reported in the literature in individuals affected with SDHAF2-related conditions. ClinVar contains an entry for this variant (Variation ID: 411612). An algorithm developed to predict the effect of missense changes on protein structure and function outputs the following: PolyPhen-2: "Benign". The threonine amino acid residue is found in multiple mammalian species, which suggests that this missense change does not adversely affect protein function. In summary, the available evidence is currently insufficient to determine the role of this variant in disease. Therefore, it has been classified as a Variant of Uncertain Significance.

Ambry Genetics
Classification: Uncertain significance for Hereditary cancer-predisposing syndrome. Last evaluated: 2025-05-26. Review status: criteria provided, single submitter. Criteria: Ambry Variant Classification Scheme 2023. Collection method: clinical testing. Allele origin: germline.

GeneDx
Classification: Uncertain significance. Last evaluated: 2024-04-12. Review status: criteria provided, single submitter. Criteria: GeneDx Variant Classification Process June 2021. Collection method: clinical testing. Allele origin: germline.
Comment: In silico analysis indicates that this missense variant does not alter protein structure/function; Has not been previously published as pathogenic or benign to our knowledge

Color Diagnostics, LLC DBA Color Health
Classification: Uncertain significance for Hereditary pheochromocytoma and paraganglioma. Last evaluated: 2024-03-06. Review status: criteria provided, single submitter. Criteria: ACMG Guidelines, 2015. Collection method: clinical testing. Allele origin: germline.
Comment: This missense variant replaces alanine with threonine at codon 144 of the SDHAF2 protein. Computational prediction suggests that this variant may not impact protein structure and function. To our knowledge, functional studies have not been reported for this variant. This variant has not been reported in individuals affected with SDHAF2-related disorders in the literature. This variant has been identified in 9/282836 chromosomes in the general population by the Genome Aggregation Database (gnomAD). The available evidence is insufficient to determine the role of this variant in disease conclusively. Therefore, this variant is classified as a Variant of Uncertain Significance.